The following is an entry in ClinVar:

ClinVar aggregate classification (germline): Uncertain significance. Review status: criteria provided, multiple submitters, no conflicts (2 of 4 stars). 3 submissions from 3 submitters: Uncertain significance (3). Last evaluated 2025-12-03.

Conditions:
Hereditary cancer-predisposing syndrome. Also called: Tumor predisposition; Hereditary Cancer Syndrome; Neoplastic Syndromes, Hereditary; Hereditary neoplastic syndrome. Identifiers: Orphanet 140162, MedGen C0027672, MeSH D009386, MONDO:0015356.
Ataxia-telangiectasia syndrome (AT). Also called: Cerebello-oculocutaneous telangiectasia; Immunodeficiency with ataxia telangiectasia; Ataxia-telangiectasia, complementation group D; AT, COMPLEMENTATION GROUP C; Ataxia-telangiectasia, complementation group E; LOUIS-BAR SYNDROME. Identifiers: Orphanet 100, MedGen C0004135, MONDO:0008840, OMIM 208900.

Allele frequency attached by ClinVar (database versions not stated): TOPMed 0.00001.

Submissions (3):

Labcorp Genetics (formerly Invitae), Labcorp
Classification: Uncertain significance for Ataxia-telangiectasia syndrome. Last evaluated: 2025-12-03. Review status: criteria provided, single submitter. Criteria: Invitae Variant Classification Sherloc (09022015). Collection method: clinical testing. Allele origin: germline.
Comment: This sequence change replaces glutamic acid, which is acidic and polar, with aspartic acid, which is acidic and polar, at codon 574 of the ATM protein (p.Glu574Asp). This variant is not present in population databases (gnomAD no frequency). This variant has not been reported in the literature in individuals affected with ATM-related conditions. ClinVar contains an entry for this variant (Variation ID: 453380). Invitae Evidence Modeling of protein sequence and biophysical properties (such as structural, functional, and spatial information, amino acid conservation, physicochemical variation, residue mobility, and thermodynamic stability) indicates that this missense variant is not expected to disrupt ATM protein function with a negative predictive value of 95%. In summary, the available evidence is currently insufficient to determine the role of this variant in disease. Therefore, it has been classified as a Variant of Uncertain Significance.

Color Diagnostics, LLC DBA Color Health
Classification: Uncertain significance for Hereditary cancer-predisposing syndrome. Last evaluated: 2025-09-23. Review status: criteria provided, single submitter. Criteria: ACMG Guidelines, 2015. Collection method: clinical testing. Allele origin: germline.
Comment: This missense variant replaces glutamic acid with aspartic acid at codon 574 of the ATM protein. Computational prediction suggests that this variant may not impact protein structure and function. To our knowledge, functional studies have not been reported for this variant. In a large international case-control study, this variant was reported in 1/60466 breast cancer cases and absent in 53461 controls (PMID: 33471991). This variant has not been identified in the general population by the Genome Aggregation Database (gnomAD). The available evidence is insufficient to determine the role of this variant in disease conclusively. Therefore, this variant is classified as a Variant of Uncertain Significance.

Ambry Genetics
Classification: Uncertain significance for Hereditary cancer-predisposing syndrome. Last evaluated: 2024-12-05. Review status: criteria provided, single submitter. Criteria: Ambry Variant Classification Scheme 2023. Collection method: clinical testing. Allele origin: germline.
Comment: The p.E574D variant (also known as c.1722A>C), located in coding exon 10 of the ATM gene, results from an A to C substitution at nucleotide position 1722. The glutamic acid at codon 574 is replaced by aspartic acid, an amino acid with highly similar properties. This amino acid position is highly conserved in available vertebrate species. In addition, the in silico prediction for this alteration is inconclusive. Based on the available evidence, the clinical significance of this variant remains unclear.

Literature cited by the submitters: PubMed 33471991 (cited by Color Diagnostics, LLC DBA Color Health).

NM_000051.4(ATM):c.1722A>C (p.Glu574Asp)

Gene: ATM (ATM serine/threonine kinase; plus strand). Cytogenetic location: 11q22.3.
Variant type: single nucleotide variant.
Coding change: c.1722A>C on transcript NM_000051.4 (MANE Select); coding-DNA position 1722, A replaced by C.
Protein change: p.Glu574Asp; replaces glutamic acid 574 with aspartic acid.
Molecular consequence: missense variant.
Genome position (GRCh38, 1-based): chr11:108,251,951, A>C. VCF-style: chr11-108251951-A-C. GRCh37 (hg19) VCF-style: chr11-108122678-A-C.
Other names: c.1722A>C, p.Glu574Asp (NM_001351834.2); short protein forms E574D.
Identifiers: ClinVar variation 453380 (VCV000453380.20), dbSNP rs372334891, ClinGen allele CA382535284.